The following is an entry in ClinVar:

ClinVar aggregate classification (germline): Conflicting classifications of pathogenicity. Review status: criteria provided, conflicting classifications (1 of 4 stars). 3 submissions from 3 submitters: Likely pathogenic (2); Uncertain significance (1). Last evaluated 2025-12-30.

Conditions:
FDXR-related disorder. Also called: FDXR-related condition; FDXR-related disorders.
Multiple mitochondrial dysfunctions syndrome 9b. Identifiers: MedGen C5935635, MONDO:0971174, OMIM 620887.
Auditory neuropathy-optic atrophy syndrome. Also called: AUDITORY NEUROPATHY AND OPTIC ATROPHY; MULTIPLE MITOCHONDRIAL DYSFUNCTIONS SYNDROME 9A. Identifiers: Orphanet 542585, MedGen C4521678, MONDO:0060582, OMIM 617717.

gnomAD v4.1: 31 of 1,610,436 alleles (0.0019%); highest among the groups gnomAD compares: East Asian, 0.049%; no homozygotes.

Submissions (3):

3billion
Classification: Uncertain significance for Multiple mitochondrial dysfunctions syndrome 9b. Last evaluated: 2025-12-30. Review status: criteria provided, single submitter. Criteria: ACMG Guidelines, 2015. Collection method: clinical testing. Allele origin: germline. Affected: yes.
Comment: The variant is observed at an extremely low frequency in the gnomAD v4.1.0 dataset (total allele frequency: 0.002%). Predicted Consequence/Location: Missense variant Damaging effect on gene or gene product predicted by in silico programs is uncertain [REVEL: 0.13 (damaging >=0.6, benign <0.4), 3Cnet: 0.13 (damaging >0.75, benign <0.1)]. The same nucleotide change resulting in the same amino acid change has been previously reported to be associated with FDXR-related disorder (PMID: 34804873). However, the evidence of pathogenicity is insufficient at this time. Therefore, this variant is classified as VUS according to the recommendation of ACMG/AMP guideline.

First Genomix Gene Laboratory, Genetic Diagnostics Department
Classification: Likely pathogenic for Auditory neuropathy-optic atrophy syndrome; Multiple mitochondrial dysfunctions syndrome 9b. Last evaluated: 2025-08-01. Review status: criteria provided, single submitter. Criteria: ACMG Guidelines, 2015. Collection method: clinical testing. Allele origin: germline. Inheritance: Autosomal recessive inheritance. Affected: no. Observed: 1 variant allele.

Blueprint Genetics
Classification: Likely pathogenic for FDXR-related disorders. Last evaluated: 2023-03-09. Review status: criteria provided, single submitter. Criteria: ACMG Guidelines, 2015. Collection method: clinical testing. Allele origin: germline. Affected: yes. Observed: 5 variant alleles.

Literature cited by the submitters: PubMed 34804873 (cited by 3billion).

NM_024417.5(FDXR):c.940G>T (p.Val314Leu)

Gene: FDXR (ferredoxin reductase; minus strand). Cytogenetic location: 17q25.1.
Variant type: single nucleotide variant.
Coding change: c.940G>T on transcript NM_024417.5 (MANE Select); coding-DNA position 940, G replaced by T.
Protein change: p.Val314Leu; replaces valine 314 with leucine.
Molecular consequence: missense variant. On other transcripts: non-coding transcript variant (1).
Genome position (GRCh38, 1-based): chr17:74,864,210, C>A on the plus strand (G>T on the coding strand, the complement: FDXR is on the minus strand). VCF-style: chr17-74864210-C-A. GRCh37 (hg19) VCF-style: chr17-72860332-C-A.
Other names: c.1069G>T, p.Val357Leu (NM_001258012.4); c.1033G>T, p.Val345Leu (NM_001258013.4); c.916G>T, p.Val306Leu (NM_001258014.4); c.820G>T, p.Val274Leu (NM_001258015.3); c.784G>T, p.Val262Leu (NM_001258016.3); c.958G>T, p.Val320Leu (NM_004110.6); short protein forms V262L, V274L, V306L, V314L, V320L, V345L, V357L.
Identifiers: ClinVar variation 4292917 (VCV004292917.4).